The following is an entry in ClinVar:

ClinVar aggregate classification (germline): Uncertain significance (1 of 4 stars; one submission).

Conditions:
Leber congenital amaurosis 9 (LCA9). Also called: LCA9 Leber Congenital Amaurosis; LCA 9; Amaurosis congenita of Leber, type 9. Identifiers: Orphanet 65, MedGen C1837873, MONDO:0012056, OMIM 608553.

Submission:

Labcorp Genetics (formerly Invitae), Labcorp
Classification: Uncertain significance for Leber congenital amaurosis 9. Last evaluated: 2024-01-18. Review status: criteria provided, single submitter. Criteria: Invitae Variant Classification Sherloc (09022015). Collection method: clinical testing. Allele origin: germline.
Comment: This sequence change replaces valine, which is neutral and non-polar, with aspartic acid, which is acidic and polar, at codon 43 of the NMNAT1 protein (p.Val43Asp). This variant is not present in population databases (gnomAD no frequency). This variant has not been reported in the literature in individuals affected with NMNAT1-related conditions. ClinVar contains an entry for this variant (Variation ID: 2113278). Advanced modeling of protein sequence and biophysical properties (such as structural, functional, and spatial information, amino acid conservation, physicochemical variation, residue mobility, and thermodynamic stability) performed at Invitae indicates that this missense variant is expected to disrupt NMNAT1 protein function with a positive predictive value of 80%. In summary, the available evidence is currently insufficient to determine the role of this variant in disease. Therefore, it has been classified as a Variant of Uncertain Significance.

NM_022787.4(NMNAT1):c.128T>A (p.Val43Asp)

Gene: NMNAT1 (nicotinamide nucleotide adenylyltransferase 1; plus strand). Cytogenetic location: 1p36.22.
Variant type: single nucleotide variant.
Coding change: c.128T>A on transcript NM_022787.4 (MANE Select); coding-DNA position 128, T replaced by A.
Protein change: p.Val43Asp; replaces valine 43 with aspartic acid.
Molecular consequence: missense variant.
Genome position (GRCh38, 1-based): chr1:9,975,604, T>A. VCF-style: chr1-9975604-T-A. GRCh37 (hg19) VCF-style: chr1-10035662-T-A.
Other names: c.128T>A, p.Val43Asp (NM_001297778.1, NM_001297779.2); short protein forms V43D.
Identifiers: ClinVar variation 2113278 (VCV002113278.4), dbSNP rs2522246248, ClinGen allele CA338684161.